The following is an entry in ClinVar:

NM_004415.4(DSP):c.8514_8515insAG (p.Gly2840fs)

Gene: DSP (desmoplakin; plus strand). Cytogenetic location: 6p24.3.
Variant type: Insertion.
Coding change: c.8514_8515insAG on transcript NM_004415.4 (MANE Select); coding-DNA positions 8514 to 8515, AG inserted.
Protein change: p.Gly2840fs; shifts the reading frame from glycine 2840.
Molecular consequence: frameshift variant.
Genome position: GRCh38 VCF-style: chr6-7585776-C-CAG. GRCh37 (hg19) VCF-style: chr6-7586009-C-CAG.
Other names: c.6717_6718insAG, p.Gly2241fs (NM_001008844.3); c.7185_7186insAG, p.Gly2397fs (NM_001319034.2); short protein forms G2241fs, G2397fs, G2840fs.
Identifiers: ClinVar variation 3069315 (VCV003069315.3), dbSNP rs771302783, ClinGen allele CA052667.

ClinVar aggregate classification (germline): Conflicting classifications of pathogenicity. Review status: criteria provided, conflicting classifications (1 of 4 stars). 2 submissions from 2 submitters: Uncertain significance (1); Likely benign (1). Last evaluated 2024-07-01.

Conditions:
Arrhythmogenic cardiomyopathy with wooly hair and keratoderma. Also called: Dilated cardiomyopathy with woolly hair and keratoderma; Arrhythmogenic cardiomyopathy with woolly hair and keratoderma; PALMOPLANTAR KERATODERMA WITH LEFT VENTRICULAR CARDIOMYOPATHY AND WOOLLY HAIR; Carvajal syndrome. Identifiers: Orphanet 65282, MedGen C1854063, MONDO:0011581, OMIM 605676.

Allele frequency attached by ClinVar (database versions not stated): gnomAD 0.00002; ExAC 0.00003; gnomAD exomes 0.00005.

Submissions (2):

Blueprint Genetics
Classification: Likely benign. Last evaluated: 2024-07-01. Review status: criteria provided, single submitter. Criteria: ACMG Guidelines, 2015. Collection method: clinical testing. Allele origin: germline.

All of Us Research Program, National Institutes of Health
Classification: Uncertain significance for Arrhythmogenic cardiomyopathy with wooly hair and keratoderma. Last evaluated: 2024-05-17. Review status: criteria provided, single submitter. Criteria: ACMG Guidelines, 2015. Collection method: clinical testing. Allele origin: germline. Inheritance: Autosomal dominant inheritance. Observed: 13 variant alleles, 13 heterozygotes.
Comment: This variant inserts 2 nucleotides in exon 24 of the DSP gene, creating a frameshift in the last exon. This variant is expected to result in an absent or non-functional protein product. The mutant transcript is expected to escape nonsense-mediated decay and be expressed as a protein product containing altered C-terminal sequence. To our knowledge, this variant has not been reported in individuals affected with cardiovascular disorders in the literature. This variant has been identified in 9/276944 chromosomes in the general population by the Genome Aggregation Database (gnomAD). The available evidence is insufficient to determine the role of this variant in disease conclusively. Therefore, this variant is classified as a Variant of Uncertain Significance.

This study involves interpretation of variants in research participants for the purpose of population health screening. Participant phenotype was not available at the time of variant classification. Additional details can be found in publication PMID: 35346344, PMCID: PMC8962531